The following is an entry in ClinVar:

ClinVar aggregate classification (germline): Pathogenic. Review status: criteria provided, multiple submitters, no conflicts (2 of 4 stars). 5 submissions from 5 submitters: Pathogenic (3). 2 of the submissions do not count toward it. Last evaluated 2023-02-15.

Conditions:
Hereditary cancer-predisposing syndrome. Also called: Hereditary Cancer Syndrome; Hereditary neoplastic syndrome; Neoplastic Syndromes, Hereditary; Tumor predisposition. Identifiers: Orphanet 140162, MedGen C0027672, MeSH D009386, MONDO:0015356.
Familial adenomatous polyposis 1 (FAP1). Also called: FAMILIAL ADENOMATOUS POLYPOSIS 1, ATTENUATED; POLYPOSIS, ADENOMATOUS INTESTINAL. Identifiers: MedGen C2713442, MONDO:0021056, OMIM 175100. Disease mechanism: loss of function.

Submissions (5):

Myriad Genetics, Inc.
Classification: Pathogenic for Familial adenomatous polyposis 1. Last evaluated: 2023-02-15. Review status: criteria provided, single submitter. Criteria: Myriad Autosomal Dominant, Autosomal Recessive and X-Linked Classification Criteria (2023). Collection method: clinical testing. Allele origin: unknown.
Comment: This variant is considered pathogenic. This variant creates a termination codon and is predicted to result in premature protein truncation.

Ambry Genetics
Classification: Pathogenic for Hereditary cancer-predisposing syndrome. Last evaluated: 2018-04-19. Review status: criteria provided, single submitter. Criteria: Ambry Variant Classification Scheme 2023. Collection method: clinical testing. Allele origin: germline.
Comment: The c.3785dupA pathogenic mutation, located in coding exon 15 of the APC gene, results from a duplication of A at nucleotide position 3785, causing a translational frameshift with a predicted alternate stop codon (p.Y1262*). This alteration is expected to result in loss of function by premature protein truncation. As such, this alteration is interpreted as a disease-causing mutation.

Labcorp Genetics (formerly Invitae), Labcorp
Classification: Pathogenic for Familial adenomatous polyposis 1. Last evaluated: 2017-09-25. Review status: criteria provided, single submitter. Criteria: Invitae Variant Classification Sherloc (09022015). Collection method: clinical testing. Allele origin: germline.
Comment: While this variant has not been reported in the literature in APC-related diseases, loss-of-function variants in APC are known to be pathogenic (PMID: 17963004, 20685668). This sequence change results in a premature translational stop signal in the APC gene (p.Tyr1262*). While this is not anticipated to result in nonsense mediated decay, it is expected to delete the last 1582 amino acids of the APC protein. This variant is not present in population databases (ExAC no frequency). For these reasons, this variant has been classified as Pathogenic. Different variants (c.3786T>A and c.3785dupA) giving rise to the same protein effect observed here (p.Tyr1262*) have been reported as pathogenic in individuals affected with familial adenomatous polyposis (PMID: 11247896, Invitae). In addition, a different truncation downstream of this variant (p.Ser1276*) has been determined to be pathogenic (PMID: 9452101, 10094547, 15108286, Invitae). This suggests that deletion of this region of the APC protein is causative of disease.

Counsyl
Classification: Likely pathogenic for Familial adenomatous polyposis 1. Last evaluated: 2016-05-20. Review status: no assertion criteria provided. Collection method: clinical testing. Allele origin: unknown. Not counted in ClinVar's aggregate classification.

Mayo Clinic Laboratories, Mayo Clinic
Classification: Likely pathogenic. Review status: no assertion criteria provided. Collection method: research. Allele origin: unknown. Observed: 1 variant allele. Not counted in ClinVar's aggregate classification.

Literature cited by the submitters: PubMed 17963004 (cited by Labcorp Genetics (formerly Invitae), Labcorp); PubMed 20685668 (cited by Labcorp Genetics (formerly Invitae), Labcorp); PubMed 11247896 (cited by Labcorp Genetics (formerly Invitae), Labcorp); PubMed 9452101 (cited by Labcorp Genetics (formerly Invitae), Labcorp); PubMed 10094547 (cited by Labcorp Genetics (formerly Invitae), Labcorp); PubMed 15108286 (cited by Labcorp Genetics (formerly Invitae), Labcorp).

NM_000038.6(APC):c.3785dup (p.Tyr1262Ter)

Gene: APC (APC regulator of Wnt signaling pathway; plus strand). Cytogenetic location: 5q22.2.
Variant type: Duplication.
Coding change: c.3785dup on transcript NM_000038.6 (MANE Select); coding-DNA position 3785, one base duplicated (A; older notation c.3785dupA).
Protein change: p.Tyr1262Ter; replaces tyrosine 1262 with a stop codon.
Molecular consequence: nonsense.
Genome position (GRCh38, 1-based): chr5:112,839,379, A duplicated. VCF-style (leftmost placement, unchanged base first): chr5-112839378-T-TA. GRCh37 (hg19) VCF-style: chr5-112175075-T-TA.
Other names: c.3785dup, p.Tyr1262Ter (NM_001127510.3, NM_001354895.2); c.3731dup, p.Tyr1244Ter (NM_001127511.3); c.3839dup, p.Tyr1280Ter (NM_001354896.2); c.3815dup, p.Tyr1272Ter (NM_001354897.2); c.3710dup, p.Tyr1237Ter (NM_001354898.2); c.3701dup, p.Tyr1234Ter (NM_001354899.2); c.3662dup, p.Tyr1221Ter (NM_001354900.2); c.3608dup, p.Tyr1203Ter (NM_001354901.2); and 5 more; short protein forms Y1171*, Y1221*, Y1237*, Y1262*, Y1280*, Y979*, Y1161*, Y1203*.
Identifiers: ClinVar variation 217970 (VCV000217970.20), dbSNP rs863225345, ClinGen allele CA279736.
Genomic context (GRCh38, chr5:112,839,378, plus strand): 5'-CAGCCTCAAAAGGCTGCCACTTGCAAAGTTTCTTCTATTAACCAAGAAACAATACAGACT[T>TA]ATTGTGTAGAAGATACTCCAATATGTTTTTCAAGATGTAGTTCATTATCATCTTTGTCAT-3'